The following is an entry in ClinVar:

ClinVar aggregate classification (germline): Uncertain significance (1 of 4 stars; one submission).

Conditions:
Autosomal recessive nonsyndromic hearing loss 77. Identifiers: Orphanet 90636, MedGen C2746083, MONDO:0013119, OMIM 613079.

gnomAD v4.1: 21 of 1,551,374 alleles (0.0014%); highest among the groups gnomAD compares: East Asian, 0.0049%; no homozygotes.

Submission:

Myriad Genetics, Inc.
Classification: Uncertain significance for Autosomal recessive nonsyndromic hearing loss 77. Last evaluated: 2025-07-18. Review status: criteria provided, single submitter. Criteria: Myriad Autosomal Dominant, Autosomal Recessive and X-Linked Classification Criteria (2023). Collection method: clinical testing. Allele origin: unknown.
Comment: NM_144612.6(LOXHD1):c.4530G>A(aka T1510=) is a silent variant classified as a variant of uncertain significance in the context of nonsyndromic hearing loss, LOXHD1-related. T1510= has been observed in a case with relevant disease (PMID: 34599366). Relevant functional assessments of this variant are not available in the literature. T1510= has been observed in referenced population frequency databases. In summary, there is insufficient evidence to classify NM_144612.6(LOXHD1):c.4530G>A(aka T1510=) as pathogenic or benign. Please note: this variant was assessed in the context of healthy population screening.

Literature cited by the submitters: PubMed 34599366.

NM_001384474.1(LOXHD1):c.4530G>A (p.Thr1510=)

Gene: LOXHD1 (lipoxygenase homology PLAT domains 1; minus strand). Cytogenetic location: 18q21.1.
Variant type: single nucleotide variant.
Coding change: c.4530G>A on transcript NM_001384474.1 (MANE Select); coding-DNA position 4530, G replaced by A.
Protein change: p.Thr1510=; no amino-acid change (threonine 1510 retained).
Molecular consequence: synonymous variant.
Genome position (GRCh38, 1-based): chr18:46,529,177, C>T on the plus strand (G>A on the coding strand, the complement: LOXHD1 is on the minus strand). VCF-style: chr18-46529177-C-T. GRCh37 (hg19) VCF-style: chr18-44109140-C-T.
Other names: c.1197G>A, p.Thr399= (NM_001145472.3); c.909G>A, p.Thr303= (NM_001308013.2); c.4530G>A, p.Thr1510= (NM_144612.7).
Identifiers: ClinVar variation 5003355 (VCV005003355.1).
Genomic context (GRCh38, chr18:46,529,177, plus strand): 5'-ACCTAGATCGCTGGGCCTGGAGAGGAGGGAAGGAGGGTAAACTCCGTGTGCCCCTCATAC[C>T]GTTCCTCTCTCGAACTTGTTGGTCCGGTTCTCTGACTTGCCAAGGTATCGCTCCCCAGTG-3'
Protein context (NP_001371403.1, residues 1500-1520): ENRTNKFERG[Thr1510=]ADTFIIEAAD